The following is an entry in ClinVar:

NM_144670.6(A2ML1):c.2777C>T (p.Ser926Phe)

Gene: A2ML1 (alpha-2-macroglobulin like 1; plus strand). Cytogenetic location: 12p13.31.
Variant type: single nucleotide variant.
Coding change: c.2777C>T on transcript NM_144670.6 (MANE Select); coding-DNA position 2777, C replaced by T.
Protein change: p.Ser926Phe; replaces serine 926 with phenylalanine.
Molecular consequence: missense variant.
Genome position (GRCh38, 1-based): chr12:8,855,521, C>T. VCF-style: chr12-8855521-C-T. GRCh37 (hg19) VCF-style: chr12-9008117-C-T.
Other names: c.1304C>T, p.Ser435Phe (NM_001282424.3); short protein forms S926F, S435F.
Identifiers: ClinVar variation 4782090 (VCV004782090.1).

ClinVar aggregate classification (germline): Uncertain significance (1 of 4 stars; one submission).

gnomAD v4.1: 3 of 1,614,152 alleles (0.00019%); highest among the groups gnomAD compares: South Asian, 0.0033%; no homozygotes.

Submission:

Labcorp Genetics (formerly Invitae), Labcorp
Classification: Uncertain significance. Last evaluated: 2025-08-10. Review status: criteria provided, single submitter. Criteria: Invitae Variant Classification Sherloc (09022015). Collection method: clinical testing. Allele origin: germline.
Comment: This sequence change replaces serine, which is neutral and polar, with phenylalanine, which is neutral and non-polar, at codon 926 of the A2ML1 protein (p.Ser926Phe). This variant is present in population databases (rs762101134, gnomAD 0.006%). This variant has not been reported in the literature in individuals affected with A2ML1-related conditions. An algorithm developed to predict the effect of missense changes on protein structure and function (PolyPhen-2) suggests that this variant is likely to be disruptive. In summary, the available evidence is currently insufficient to determine the role of this variant in disease. Therefore, it has been classified as a Variant of Uncertain Significance.